The following is an entry in ClinVar:

ClinVar aggregate classification (germline): Uncertain significance (1 of 4 stars; one submission).

Submission:

Labcorp Genetics (formerly Invitae), Labcorp
Classification: Uncertain significance. Last evaluated: 2021-09-14. Review status: criteria provided, single submitter. Criteria: Invitae Variant Classification Sherloc (09022015). Collection method: clinical testing. Allele origin: germline.
Comment: This sequence change replaces arginine with leucine at codon 3269 of the CDH23 protein (p.Arg3269Leu). The arginine residue is moderately conserved and there is a moderate physicochemical difference between arginine and leucine. This variant is not present in population databases (ExAC no frequency). This variant has not been reported in the literature in individuals affected with CDH23-related conditions. Algorithms developed to predict the effect of missense changes on protein structure and function are either unavailable or do not agree on the potential impact of this missense change (SIFT: "Tolerated"; PolyPhen-2: "Not Available"; Align-GVGD: "Class C0"). In summary, the available evidence is currently insufficient to determine the role of this variant in disease. Therefore, it has been classified as a Variant of Uncertain Significance.

NM_022124.6(CDH23):c.9806G>T (p.Arg3269Leu)

Gene: CDH23 (cadherin related 23; plus strand). Cytogenetic location: 10q22.1.
Variant type: single nucleotide variant.
Coding change: c.9806G>T on transcript NM_022124.6 (MANE Select); coding-DNA position 9806, G replaced by T.
Protein change: p.Arg3269Leu; replaces arginine 3269 with leucine.
Molecular consequence: missense variant.
Genome position (GRCh38, 1-based): chr10:71,815,019, G>T. VCF-style: chr10-71815019-G-T. GRCh37 (hg19) VCF-style: chr10-73574776-G-T.
Other names: c.3086G>T, p.Arg1029Leu (NM_001171933.1); c.2981G>T, p.Arg994Leu (NM_001171934.1); c.497G>T, p.Arg166Leu (NM_001171935.1); c.392G>T, p.Arg131Leu (NM_001171936.1); short protein forms R166L, R994L, R3269L, R1029L, R131L.
Identifiers: ClinVar variation 1476573 (VCV001476573.6), dbSNP rs747409066, ClinGen allele CA377138055.